The following is an entry in ClinVar:

NM_006182.4(DDR2):c.1170G>C (p.Met390Ile)

Gene: DDR2 (discoidin domain receptor tyrosine kinase 2; plus strand). Cytogenetic location: 1q23.3.
Variant type: single nucleotide variant.
Coding change: c.1170G>C on transcript NM_006182.4 (MANE Select); coding-DNA position 1170, G replaced by C.
Protein change: p.Met390Ile; replaces methionine 390 with isoleucine.
Molecular consequence: missense variant.
Genome position (GRCh38, 1-based): chr1:162,767,236, G>C. VCF-style: chr1-162767236-G-C. GRCh37 (hg19) VCF-style: chr1-162737026-G-C.
Other names: c.1170G>C, p.Met390Ile (NM_001014796.3, NM_001354982.2, NM_001354983.2); short protein forms M390I.
Identifiers: ClinVar variation 1928315 (VCV001928315.3), dbSNP rs149102817, ClinGen allele CA1217453.

ClinVar aggregate classification (germline): Uncertain significance. Review status: criteria provided, multiple submitters, no conflicts (2 of 4 stars). 2 submissions from 2 submitters: Uncertain significance (2). Last evaluated 2022-03-13.

Conditions:
Inborn genetic diseases. Identifiers: MedGen C0950123, MeSH D030342.

Allele frequency attached by ClinVar (database versions not stated): gnomAD 0.00001; gnomAD exomes 0.00002; TOPMed 0.00002; ExAC 0.00003; ESP Exome Variant Server 0.00015.
gnomAD v4.1: 24 of 1,613,910 alleles (0.0015%); highest among the groups gnomAD compares: Admixed American, 0.005%; no homozygotes.

Submissions (2):

Labcorp Genetics (formerly Invitae), Labcorp
Classification: Uncertain significance. Last evaluated: 2022-03-13. Review status: criteria provided, single submitter. Criteria: Invitae Variant Classification Sherloc (09022015). Collection method: clinical testing. Allele origin: germline.
Comment: This sequence change replaces methionine, which is neutral and non-polar, with isoleucine, which is neutral and non-polar, at codon 390 of the DDR2 protein (p.Met390Ile). This variant is present in population databases (rs149102817, gnomAD 0.02%). This variant has not been reported in the literature in individuals affected with DDR2-related conditions. Algorithms developed to predict the effect of missense changes on protein structure and function (SIFT, PolyPhen-2, Align-GVGD) all suggest that this variant is likely to be tolerated. In summary, the available evidence is currently insufficient to determine the role of this variant in disease. Therefore, it has been classified as a Variant of Uncertain Significance.

Ambry Genetics
Classification: Uncertain significance for Inborn genetic diseases. Last evaluated: 2021-09-01. Review status: criteria provided, single submitter. Criteria: Ambry Variant Classification Scheme 2023. Collection method: clinical testing. Allele origin: germline.